The following is an entry in ClinVar:

ClinVar aggregate classification (germline): Uncertain significance. Review status: criteria provided, multiple submitters, no conflicts (2 of 4 stars). 2 submissions from 2 submitters: Uncertain significance (2). Last evaluated 2025-03-24.

Conditions:
Long QT syndrome (LQTS). Identifiers: MedGen C0023976, MeSH D008133, MONDO:0002442. Disease mechanism: loss of function. Inheritance: Various modes of inheritance.
Cardiovascular phenotype. Identifiers: MedGen CN230736.

Allele frequency attached by ClinVar (database versions not stated): gnomAD exomes 0.00001.
gnomAD v4.1: 4 of 1,614,142 alleles (0.00025%); highest among the groups gnomAD compares: South Asian, 0.0011%; no homozygotes.

Submissions (2):

Labcorp Genetics (formerly Invitae), Labcorp
Classification: Uncertain significance for Long QT syndrome. Last evaluated: 2025-03-24. Review status: criteria provided, single submitter. Criteria: Invitae Variant Classification Sherloc (09022015). Collection method: clinical testing. Allele origin: germline.
Comment: This sequence change replaces glutamic acid, which is acidic and polar, with lysine, which is basic and polar, at codon 2368 of the ANK2 protein (p.Glu2368Lys). This variant is not present in population databases (gnomAD no frequency). This variant has not been reported in the literature in individuals affected with ANK2-related conditions. ClinVar contains an entry for this variant (Variation ID: 963766). An algorithm developed to predict the effect of missense changes on protein structure and function outputs the following: PolyPhen-2: "Benign". The lysine amino acid residue is found in multiple mammalian species, which suggests that this missense change does not adversely affect protein function. In summary, the available evidence is currently insufficient to determine the role of this variant in disease. Therefore, it has been classified as a Variant of Uncertain Significance.

Ambry Genetics
Classification: Uncertain significance for Cardiovascular phenotype. Last evaluated: 2025-03-23. Review status: criteria provided, single submitter. Criteria: Ambry Variant Classification Scheme 2023. Collection method: clinical testing. Allele origin: germline.
Comment: The p.E2368K variant (also known as c.7102G>A), located in coding exon 38 of the ANK2 gene, results from a G to A substitution at nucleotide position 7102. The glutamic acid at codon 2368 is replaced by lysine, an amino acid with similar properties. This amino acid position is conserved. In addition, this alteration is predicted to be tolerated by in silico analysis. Based on the available evidence, the clinical significance of this variant remains unclear.

NM_001148.6(ANK2):c.7102G>A (p.Glu2368Lys)

Genes: ANK2 (ankyrin 2; plus strand), LOC126807137 (CDK7 strongly-dependent group 2 enhancer GRCh37_chr4:114276560-114277759; plus strand). Cytogenetic location: 4q26.
Variant type: single nucleotide variant.
Coding change: c.7102G>A on transcript NM_001148.6 (MANE Select); coding-DNA position 7102, G replaced by A.
Protein change: p.Glu2368Lys; replaces glutamic acid 2368 with lysine.
Molecular consequence: missense variant. On other transcripts: intron variant (68).
Genome position (GRCh38, 1-based): chr4:113,355,720, G>A. VCF-style: chr4-113355720-G-A. GRCh37 (hg19) VCF-style: chr4-114276876-G-A.
Other names: c.6868G>A, p.Glu2290Lys (NM_001386142.1); c.3502G>A, p.Glu1168Lys (NM_001386166.1); c.7243G>A, p.Glu2415Lys (NM_001386174.1); c.7219G>A, p.Glu2407Lys (NM_001386175.1); c.4412-5103G>A (NM_001386186.2, NM_001386148.2); c.4214-5103G>A (NM_001354269.3); c.4292-5103G>A (NM_001386187.2); c.4253-5103G>A (NM_001386147.1); and 35 more; short protein forms E2368K, E1168K, E2290K, E2407K, E2415K.
Identifiers: ClinVar variation 963766 (VCV000963766.8), dbSNP rs2095714626, ClinGen allele CA357929420.